The following is an entry in ClinVar:

ClinVar aggregate classification (germline): Uncertain significance (1 of 4 stars; one submission).

Allele frequency attached by ClinVar (database versions not stated): gnomAD 0.00001; TOPMed 0.00001.
gnomAD v4.1: 6 of 1,613,992 alleles (0.00037%); highest among the groups gnomAD compares: Non-Finnish European, 0.00051%; no homozygotes.

Submission:

Labcorp Genetics (formerly Invitae), Labcorp
Classification: Uncertain significance. Last evaluated: 2025-02-20. Review status: criteria provided, single submitter. Criteria: Invitae Variant Classification Sherloc (09022015). Collection method: clinical testing. Allele origin: germline.
Comment: This sequence change replaces leucine, which is neutral and non-polar, with valine, which is neutral and non-polar, at codon 13 of the GABRB1 protein (p.Leu13Val). This variant is not present in population databases (gnomAD no frequency). This variant has not been reported in the literature in individuals affected with GABRB1-related conditions. ClinVar contains an entry for this variant (Variation ID: 1956132). Invitae Evidence Modeling of protein sequence and biophysical properties (such as structural, functional, and spatial information, amino acid conservation, physicochemical variation, residue mobility, and thermodynamic stability) indicates that this missense variant is not expected to disrupt GABRB1 protein function with a negative predictive value of 95%. In summary, the available evidence is currently insufficient to determine the role of this variant in disease. Therefore, it has been classified as a Variant of Uncertain Significance.

NM_000812.4(GABRB1):c.37C>G (p.Leu13Val)

Gene: GABRB1 (gamma-aminobutyric acid type A receptor subunit beta1; plus strand). Cytogenetic location: 4p12.
Variant type: single nucleotide variant.
Coding change: c.37C>G on transcript NM_000812.4 (MANE Select); coding-DNA position 37, C replaced by G.
Protein change: p.Leu13Val; replaces leucine 13 with valine.
Molecular consequence: missense variant.
Genome position (GRCh38, 1-based): chr4:47,031,688, C>G. VCF-style: chr4-47031688-C-G. GRCh37 (hg19) VCF-style: chr4-47033705-C-G.
Other names: short protein forms L13V.
Identifiers: ClinVar variation 1956132 (VCV001956132.5), dbSNP rs763566824, ClinGen allele CA2907386.
Genomic context (GRCh38, chr4:47,031,688, plus strand): 5'-CAATTCTTTTAATCAGAGTTAGTAATGTGGACAGTACAAAATCGAGAGAGTCTGGGGCTT[C>G]TCTCTTTCCCTGTGATGATTACCATGGTCTGTTGTGCACACAGGTGAGCTGCTGTTGTTG-3'
Protein context (NP_000803.2, residues 3-23): TVQNRESLGL[Leu13Val]SFPVMITMVC